The following is an entry in ClinVar:

ClinVar aggregate classification (germline): Conflicting classifications of pathogenicity. Review status: criteria provided, conflicting classifications (1 of 4 stars). 2 submissions from 2 submitters: Likely pathogenic (1); Uncertain significance (1). Last evaluated 2024-06-22.

Conditions:
Epidermolysis bullosa pruriginosa. Also called: DEB, PRURIGINOSA; DYSTROPHIC EPIDERMOLYSIS BULLOSA PRURIGINOSA. Identifiers: Orphanet 89843, MedGen C1275114, MONDO:0011398, OMIM 604129.
Generalized dominant dystrophic epidermolysis bullosa (DDEB). Also called: Dominant DEB (DDEB); DDEB, generalized; DDEB-gen; DYSTROPHIC EPIDERMOLYSIS BULLOSA, AUTOSOMAL DOMINANT; Epidermolysis bullosa dystrophica, autosomal dominant. Identifiers: Orphanet 231568, MedGen C0432322, MONDO:0007549, OMIM 131750.
Recessive dystrophic epidermolysis bullosa (RDEB). Also called: epidermolysis bullosa dystrophica, autosomal recessive; Recessive DEB (RDEB); DYSTROPHIC EPIDERMOLYSIS BULLOSA, AUTOSOMAL RECESSIVE; EPIDERMOLYSIS BULLOSA DYSTROPHICA, HALLOPEAU-SIEMENS TYPE; severe generalized recessive dystrophic epidermolysis bullosa; Epidermolysis Bullosa Distrophica Autosomal Recessive (RDEB). Identifiers: Orphanet 79408, Orphanet 79409, MedGen C0079474, MONDO:0009179, OMIM 226600.
Nonsyndromic congenital nail disorder 8. Also called: TOENAIL DYSTROPHY, ISOLATED. Identifiers: MedGen C1843761, MONDO:0011852, OMIM 607523.
Pretibial dystrophic epidermolysis bullosa. Also called: EPIDERMOLYSIS BULLOSA DYSTROPHICA, PRETIBIAL; Pretibial blistering; Pretibial epidermolysis bullosa. Identifiers: Orphanet 79410, MedGen C0432321, MONDO:0007552, OMIM 131850, HP:0012221.
Dominant dystrophic epidermolysis bullosa with absence of skin. Also called: EPIDERMOLYSIS BULLOSA DYSTROPHICA, BART TYPE; EPIDERMOLYSIS BULLOSA WITH CONGENITAL LOCALIZED ABSENCE OF SKIN AND DEFORMITY OF NAILS. Identifiers: MedGen C0268371, MONDO:0007557, OMIM 132000.
Transient bullous dermolysis of the newborn (TBDN). Also called: EPIDERMOLYSIS BULLOSA DYSTROPHICA, NEONATAL FORM; DYSTROPHIC EPIDERMOLYSIS BULLOSA, NEONATAL. Identifiers: Orphanet 79411, MedGen C1851573, MONDO:0007548, OMIM 131705.

Allele frequency attached by ClinVar (database versions not stated): gnomAD 0.00001; ExAC 0.00002; 1000 Genomes Project 30x 0.00016; 1000 Genomes Project 0.00020.
gnomAD v4.1: 5 of 1,614,044 alleles (0.00031%); highest among the groups gnomAD compares: South Asian, 0.0055%; no homozygotes.

Submissions (2):

Fulgent Genetics
Classification: Likely pathogenic for Transient bullous dermolysis of the newborn; Generalized dominant dystrophic epidermolysis bullosa; Pretibial dystrophic epidermolysis bullosa; Dominant dystrophic epidermolysis bullosa with absence of skin; Recessive dystrophic epidermolysis bullosa; Epidermolysis bullosa pruriginosa; Nonsyndromic congenital nail disorder 8. Last evaluated: 2024-06-22. Review status: criteria provided, single submitter. Criteria: ACMG Guidelines, 2015. Collection method: clinical testing. Allele origin: germline.

Labcorp Genetics (formerly Invitae), Labcorp
Classification: Uncertain significance. Last evaluated: 2022-06-13. Review status: criteria provided, single submitter. Criteria: Invitae Variant Classification Sherloc (09022015). Collection method: clinical testing. Allele origin: germline.
Comment: This sequence change replaces glycine, which is neutral and non-polar, with alanine, which is neutral and non-polar, at codon 2668 of the COL7A1 protein (p.Gly2668Ala). This variant is present in population databases (rs539565729, gnomAD 0.006%). This variant has not been reported in the literature in individuals affected with COL7A1-related conditions. Advanced modeling of protein sequence and biophysical properties (such as structural, functional, and spatial information, amino acid conservation, physicochemical variation, residue mobility, and thermodynamic stability) performed at Invitae indicates that this missense variant is expected to disrupt COL7A1 protein function. This variant disrupts the triple helix domain of COL7A1. Glycine residues within the Gly-Xaa-Yaa repeats of the triple helix domain are required for the structure and stability of fibrillar collagens (PMID: 7695699, 8218237, 19344236), and variants at these glycine residues in COL7A1 are more frequently observed in individuals with disease than in the general population (PMID: 22058051). However, the clinical significance of this observation remains uncertain since only a limited number of affected individuals have been described to date. In summary, the available evidence is currently insufficient to determine the role of this variant in disease. Therefore, it has been classified as a Variant of Uncertain Significance.

Literature cited by the submitters: PubMed 7695699 (cited by Labcorp Genetics (formerly Invitae), Labcorp); PubMed 8218237 (cited by Labcorp Genetics (formerly Invitae), Labcorp); PubMed 19344236 (cited by Labcorp Genetics (formerly Invitae), Labcorp); PubMed 22058051 (cited by Labcorp Genetics (formerly Invitae), Labcorp).

NM_000094.4(COL7A1):c.8003G>C (p.Gly2668Ala)

Gene: COL7A1 (collagen type VII alpha 1 chain; minus strand). Cytogenetic location: 3p21.31.
Variant type: single nucleotide variant.
Coding change: c.8003G>C on transcript NM_000094.4 (MANE Select); coding-DNA position 8003, G replaced by C.
Protein change: p.Gly2668Ala; replaces glycine 2668 with alanine.
Molecular consequence: missense variant.
Genome position (GRCh38, 1-based): chr3:48,567,617, C>G on the plus strand (G>C on the coding strand, the complement: COL7A1 is on the minus strand). VCF-style: chr3-48567617-C-G. GRCh37 (hg19) VCF-style: chr3-48605050-C-G.
Other names: short protein forms G2668A.
Identifiers: ClinVar variation 1435441 (VCV001435441.6), dbSNP rs539565729, ClinGen allele CA2378205.